The following is an entry in ClinVar:

NM_001394062.1(MACF1):c.18046C>T (p.Arg6016Cys)

Gene: MACF1 (microtubule actin crosslinking factor 1; plus strand). Cytogenetic location: 1p34.3.
Variant type: single nucleotide variant.
Coding change: c.18046C>T on transcript NM_001394062.1 (MANE Select); coding-DNA position 18046, C replaced by T.
Protein change: p.Arg6016Cys; replaces arginine 6016 with cysteine.
Molecular consequence: missense variant.
Genome position (GRCh38, 1-based): chr1:39,437,834, C>T. VCF-style: chr1-39437834-C-T. GRCh37 (hg19) VCF-style: chr1-39903506-C-T.
Other names: c.6124C>T, p.Arg2042Cys (NM_001397473.1); c.11869C>T, p.Arg3957Cys (NM_012090.5); c.11869C>T (NM_012090.4); short protein forms R2042C, R3957C, R6016C.
Identifiers: ClinVar variation 3337261 (VCV003337261.4).

ClinVar aggregate classification (germline): Conflicting classifications of pathogenicity. Review status: criteria provided, conflicting classifications (1 of 4 stars). 3 submissions from 3 submitters: Uncertain significance (2); Likely benign (1). Last evaluated 2024-09-30.

Conditions:
Lissencephaly 9 with complex brainstem malformation. Identifiers: Orphanet 572013, MedGen C5193029, MONDO:0032677, OMIM 618325.
Inborn genetic diseases. Identifiers: MedGen C0950123, MeSH D030342.

gnomAD v4.1: 95 of 1,614,100 alleles (0.0059%); highest among the groups gnomAD compares: South Asian, 0.091%; 1 homozygote.

Submissions (3):

Ambry Genetics
Classification: Likely benign for Inborn genetic diseases. Last evaluated: 2024-09-30. Review status: criteria provided, single submitter. Criteria: Ambry Variant Classification Scheme 2023. Collection method: clinical testing. Allele origin: germline.

Clinical Genetics Laboratory, Skane University Hospital Lund
Classification: Uncertain significance. Last evaluated: 2023-05-24. Review status: criteria provided, single submitter. Criteria: ACMG Guidelines, 2015. Collection method: clinical testing. Allele origin: germline. Affected: yes.

Juno Genomics, Hangzhou Juno Genomics, Inc
Classification: Uncertain significance for Lissencephaly 9 with complex brainstem malformation. Review status: criteria provided, single submitter. Criteria: ACMG Guidelines, 2015. Collection method: clinical testing. Allele origin: germline.
Comment: Absent from controls (or at extremely low frequency if recessive) in Genome Aggregation Database.;Missense variant in a gene that has a low rate of benign missense variation.